The following is an entry in ClinVar:

NM_005802.5(TOPORS):c.1857T>A (p.His619Gln)

Gene: TOPORS (TOP1 binding arginine/serine rich protein, E3 ubiquitin ligase; minus strand). Cytogenetic location: 9p21.1.
Variant type: single nucleotide variant.
Coding change: c.1857T>A on transcript NM_005802.5 (MANE Select); coding-DNA position 1857, T replaced by A.
Protein change: p.His619Gln; replaces histidine 619 with glutamine.
Molecular consequence: missense variant.
Genome position (GRCh38, 1-based): chr9:32,542,668, A>T on the plus strand (T>A on the coding strand, the complement: TOPORS is on the minus strand). VCF-style: chr9-32542668-A-T. GRCh37 (hg19) VCF-style: chr9-32542666-A-T.
Other names: c.1662T>A, p.His554Gln (NM_001195622.2); c.1857T>A (NM_005802.4); short protein forms H554Q, H619Q.
Identifiers: ClinVar variation 1058322 (VCV001058322.11), dbSNP rs1223865426, ClinGen allele CA373167826.

ClinVar aggregate classification (germline): Uncertain significance. Review status: criteria provided, multiple submitters, no conflicts (2 of 4 stars). 3 submissions from 3 submitters: Uncertain significance (3). Last evaluated 2025-09-10.

Conditions:
TOPORS-related disorder. Also called: TOPORS-related condition.

Allele frequency attached by ClinVar (database versions not stated): TOPMed 0.00001.

Submissions (3):

Labcorp Genetics (formerly Invitae), Labcorp
Classification: Uncertain significance. Last evaluated: 2025-09-10. Review status: criteria provided, single submitter. Criteria: Invitae Variant Classification Sherloc (09022015). Collection method: clinical testing. Allele origin: germline.
Comment: This sequence change replaces histidine, which is basic and polar, with glutamine, which is neutral and polar, at codon 619 of the TOPORS protein (p.His619Gln). This variant is present in population databases (no rsID available, gnomAD 0.003%). This variant has not been reported in the literature in individuals affected with TOPORS-related conditions. ClinVar contains an entry for this variant (Variation ID: 1058322). Experimental studies and prediction algorithms are not available or were not evaluated, and the functional significance of this variant is currently unknown. In summary, the available evidence is currently insufficient to determine the role of this variant in disease. Therefore, it has been classified as a Variant of Uncertain Significance.

PreventionGenetics, part of Exact Sciences
Classification: Uncertain significance for TOPORS-related condition. Last evaluated: 2025-05-12. Review status: criteria provided, single submitter. Criteria: ACMG Guidelines, 2015. Collection method: clinical testing. Allele origin: germline.
Comment: The TOPORS c.1857T>A variant is predicted to result in the amino acid substitution p.His619Gln. To our knowledge, this variant has not been reported in the literature. This variant is reported in 0.0029% of alleles in individuals of Latino descent in gnomAD. At this time, the clinical significance of this variant is uncertain due to the absence of conclusive functional and genetic evidence.

Blueprint Genetics
Classification: Uncertain significance. Last evaluated: 2023-05-29. Review status: criteria provided, single submitter. Criteria: ACMG Guidelines, 2015. Collection method: clinical testing. Allele origin: germline.